The following is an entry in ClinVar:

ClinVar aggregate classification (germline): Likely pathogenic (1 of 4 stars; one submission).

Conditions:
Bilateral congenital or childhood onset cataracts.

Submission:

North West Genomic Laboratory Hub, Manchester University NHS Foundation Trust
Classification: Likely pathogenic for Bilateral congenital or childhood onset cataracts. Last evaluated: 2025-04-03. Review status: criteria provided, single submitter. Criteria: ACGS Best Practice Guidelines for Variant Classification in Rare Disease 2024. Collection method: clinical testing. Allele origin: germline. Affected: yes.
Comment: PM2_Mod PVS1_Str

NM_001291867.2(NHS):c.4449del (p.Ile1484fs)

Gene: NHS (NHS actin remodeling regulator; plus strand). Cytogenetic location: Xp22.13.
Variant type: Deletion.
Coding change: c.4449del on transcript NM_001291867.2 (MANE Select); coding-DNA position 4449, one base deleted (C; older notation c.4449delC).
Protein change: p.Ile1484fs; shifts the reading frame from isoleucine 1484.
Molecular consequence: frameshift variant.
Genome position (GRCh38, 1-based): chrX:17,731,957, C deleted; the last of 2 consecutive C bases (chrX:17,731,956-17,731,957); deleting either gives the same sequence. VCF-style (leftmost placement, unchanged base first): chrX-17731955-TC-T. GRCh37 (hg19) VCF-style: chrX-17750075-TC-T.
Other names: c.3918del, p.Ile1307fs (NM_001136024.4); c.3855del, p.Ile1286fs (NM_001291868.2); c.4110del, p.Ile1371fs (NM_001440780.1); c.4386del, p.Ile1463fs (NM_198270.4); short protein forms I1286fs, I1307fs, I1371fs, I1463fs, I1484fs.
Identifiers: ClinVar variation 4975015 (VCV004975015.1).
Genomic context (GRCh38, chrX:17,731,955, plus strand): 5'-GACATGTCTGTTCGAAGCAAATCGAGAGCTCCCCTCAGCAGTAGCAGCAGCAGCGCCAGT[TC>T]CATCACTTCACCCAGCAGTAATGTGACAACCCCCAACAGCCAGAGGTCTCCTGGTCTCAT-3'